The following is an entry in ClinVar:

NM_024675.4(PALB2):c.3062G>A (p.Gly1021Glu)

Gene: PALB2 (partner and localizer of BRCA2; minus strand). Cytogenetic location: 16p12.2.
Variant type: single nucleotide variant.
Coding change: c.3062G>A on transcript NM_024675.4 (MANE Select); coding-DNA position 3062, G replaced by A.
Protein change: p.Gly1021Glu; replaces glycine 1021 with glutamic acid.
Molecular consequence: missense variant.
Genome position (GRCh38, 1-based): chr16:23,621,413, C>T on the plus strand (G>A on the coding strand, the complement: PALB2 is on the minus strand). VCF-style: chr16-23621413-C-T. GRCh37 (hg19) VCF-style: chr16-23632734-C-T.
Other names: short protein forms G1021E.
Identifiers: ClinVar variation 822770 (VCV000822770.14), dbSNP rs1597079719, ClinGen allele CA395142990.

ClinVar aggregate classification (germline): Uncertain significance. Review status: criteria provided, multiple submitters, no conflicts (2 of 4 stars). 3 submissions from 3 submitters: Uncertain significance (2). 1 of the submissions does not count toward it. Last evaluated 2021-02-12.

Conditions:
Familial cancer of breast. Also called: BREAST CANCER, FAMILIAL; Hereditary breast cancer; hereditary breast carcinoma. Identifiers: Orphanet 227535, MedGen C0346153, MONDO:0016419, OMIM 114480. Disease mechanism: loss of function.
Hereditary cancer-predisposing syndrome. Also called: Tumor predisposition; Hereditary Cancer Syndrome; Neoplastic Syndromes, Hereditary; Hereditary neoplastic syndrome. Identifiers: Orphanet 140162, MedGen C0027672, MeSH D009386, MONDO:0015356.

Allele frequency attached by ClinVar (database versions not stated): gnomAD exomes below 0.00001.
gnomAD v4.1: 1 of 1,614,072 alleles (0.000062%); highest among the groups gnomAD compares: Non-Finnish European, 0.000085%; no homozygotes.

Submissions (3):

Labcorp Genetics (formerly Invitae), Labcorp
Classification: Uncertain significance for Familial cancer of breast. Last evaluated: 2021-02-12. Review status: criteria provided, single submitter. Criteria: Invitae Variant Classification Sherloc (09022015). Collection method: clinical testing. Allele origin: germline.
Comment: In summary, the available evidence is currently insufficient to determine the role of this variant in disease. Therefore, it has been classified as a Variant of Uncertain Significance. Algorithms developed to predict the effect of missense changes on protein structure and function (SIFT, PolyPhen-2, Align-GVGD) all suggest that this variant is likely to be disruptive, but these predictions have not been confirmed by published functional studies and their clinical significance is uncertain. This variant has not been reported in the literature in individuals with PALB2-related conditions. This variant is not present in population databases (ExAC no frequency). This sequence change replaces glycine with glutamic acid at codon 1021 of the PALB2 protein (p.Gly1021Glu). The glycine residue is highly conserved and there is a moderate physicochemical difference between glycine and glutamic acid.

Ambry Genetics
Classification: Uncertain significance for Hereditary cancer-predisposing syndrome. Last evaluated: 2018-11-19. Review status: criteria provided, single submitter. Criteria: Ambry Variant Classification Scheme 2023. Collection method: clinical testing. Allele origin: germline.
Comment: The p.G1021E variant (also known as c.3062G>A), located in coding exon 10 of the PALB2 gene, results from a G to A substitution at nucleotide position 3062. The glycine at codon 1021 is replaced by glutamic acid, an amino acid with similar properties. This alteration was observed with an allele frequency of 0.001 in 12490 male controls of Japanese ancestry, and was not observed in 53 male breast cancer cases, 7051 unselected female breast cancer patients, or in 11241 female controls (Momozawa Y et al. Nat Commun 2018 Oct;9(1):4083). This amino acid position is highly conserved in available vertebrate species. In addition, the in silico prediction for this alteration is inconclusive. Since supporting evidence is limited at this time, the clinical significance of this alteration remains unclear.

Leiden Open Variation Database
Classification: Uncertain significance. Last evaluated: 2018-08-25. Review status: no assertion criteria provided. Collection method: curation. Allele origin: germline. Affected: yes. Not counted in ClinVar's aggregate classification.
Comment: Curators: Marc Tischkowitz, Arleen D. Auerbach. Submitter to LOVD: Yukihide Momozawa.

Literature cited by the submitters: PubMed 30287823 (cited by Ambry Genetics and Leiden Open Variation Database).